The following is an entry in ClinVar:

NM_001845.6(COL4A1):c.3347A>T (p.Glu1116Val)

Gene: COL4A1 (collagen type IV alpha 1 chain; minus strand). Cytogenetic location: 13q34.
Variant type: single nucleotide variant.
Coding change: c.3347A>T on transcript NM_001845.6 (MANE Select); coding-DNA position 3347, A replaced by T.
Protein change: p.Glu1116Val; replaces glutamic acid 1116 with valine.
Molecular consequence: missense variant.
Genome position (GRCh38, 1-based): chr13:110,174,505, T>A on the plus strand (A>T on the coding strand, the complement: COL4A1 is on the minus strand). VCF-style: chr13-110174505-T-A. GRCh37 (hg19) VCF-style: chr13-110826852-T-A.
Other names: short protein forms E1116V.
Identifiers: ClinVar variation 2793371 (VCV002793371.3), dbSNP rs2501770418, ClinGen allele CA388664441.

ClinVar aggregate classification (germline): Uncertain significance (1 of 4 stars; one submission).

Submission:

Labcorp Genetics (formerly Invitae), Labcorp
Classification: Uncertain significance. Last evaluated: 2025-12-09. Review status: criteria provided, single submitter. Criteria: Invitae Variant Classification Sherloc (09022015). Collection method: clinical testing. Allele origin: germline.
Comment: This sequence change replaces glutamic acid, which is acidic and polar, with valine, which is neutral and non-polar, at codon 1116 of the COL4A1 protein (p.Glu1116Val). This variant is not present in population databases (gnomAD no frequency). This variant has not been reported in the literature in individuals affected with COL4A1-related conditions. ClinVar contains an entry for this variant (Variation ID: 2793371). Invitae Evidence Modeling of protein sequence and biophysical properties (such as structural, functional, and spatial information, amino acid conservation, physicochemical variation, residue mobility, and thermodynamic stability) indicates that this missense variant is not expected to disrupt COL4A1 protein function with a negative predictive value of 95%. In summary, the available evidence is currently insufficient to determine the role of this variant in disease. Therefore, it has been classified as a Variant of Uncertain Significance.